The following is an entry in ClinVar:

ClinVar aggregate classification (germline): Benign/Likely benign. Review status: criteria provided, multiple submitters, no conflicts (2 of 4 stars). 7 submissions from 7 submitters: Benign (2); Likely benign (5). Last evaluated 2025-12-22.

Conditions:
Shprintzen-Goldberg syndrome (SGS). Also called: Marfanoid disorder with craniosynostosis type 1; Marfanoid craniosynostosis syndrome; Shprintzen-Goldberg marfanoid syndrome; SHPRINTZEN-GOLDBERG CRANIOSYNOSTOSIS SYNDROME; CRANIOSYNOSTOSIS WITH ARACHNODACTYLY AND ABDOMINAL HERNIAS. Identifiers: Orphanet 2462, MedGen C1321551, MONDO:0008426, OMIM 182212.
Familial thoracic aortic aneurysm and aortic dissection (TAAD). Also called: Thoracic aortic aneurysms and dissections. Identifiers: Orphanet 91387, MedGen C4707243, MONDO:0019625.

Allele frequency attached by ClinVar (database versions not stated): gnomAD 0.00005 and 0.00015; TOPMed 0.00007; ESP Exome Variant Server 0.00008; 1000 Genomes Project 30x 0.00047; ExAC 0.00050; gnomAD exomes 0.00055; 1000 Genomes Project 0.00060.
gnomAD v4.1: 456 of 1,613,682 alleles (0.028%); highest among the groups gnomAD compares: South Asian, 0.35%; 4 homozygotes.

Submissions (7):

Labcorp Genetics (formerly Invitae), Labcorp
Classification: Benign for Shprintzen-Goldberg syndrome. Last evaluated: 2025-12-22. Review status: criteria provided, single submitter. Criteria: Invitae Variant Classification Sherloc (09022015). Collection method: clinical testing. Allele origin: germline.

Blueprint Genetics
Classification: Likely benign. Last evaluated: 2024-09-07. Review status: criteria provided, single submitter. Criteria: ACMG Guidelines, 2015. Collection method: clinical testing. Allele origin: germline.

CeGaT Center for Human Genetics Tuebingen
Classification: Benign. Last evaluated: 2024-09-01. Review status: criteria provided, single submitter. Criteria: CeGaT Center For Human Genetics Tuebingen Variant Classification Criteria Version 2. Collection method: clinical testing. Allele origin: germline. Affected: yes. Observed: 3 variant alleles.
Comment: SKI: BS1, BS2

ARUP Laboratories, Molecular Genetics and Genomics, ARUP Laboratories
Classification: Likely benign for Shprintzen-Goldberg syndrome. Last evaluated: 2023-11-16. Review status: criteria provided, single submitter. Criteria: ARUP Molecular Germline Variant Investigation Process 2024. Collection method: clinical testing. Allele origin: germline.

Women's Health and Genetics/Laboratory Corporation of America, LabCorp
Classification: Likely benign. Last evaluated: 2023-08-10. Review status: criteria provided, single submitter. Criteria: LabCorp Variant Classification Summary - May 2015. Collection method: clinical testing. Allele origin: germline.

GeneDx
Classification: Likely benign. Last evaluated: 2019-08-05. Review status: criteria provided, single submitter. Criteria: GeneDx Variant Classification Process June 2021. Collection method: clinical testing. Allele origin: germline. Affected: yes.

Ambry Genetics
Classification: Likely benign for Familial thoracic aortic aneurysm and aortic dissection. Last evaluated: 2018-05-01. Review status: criteria provided, single submitter. Criteria: Ambry Variant Classification Scheme 2023. Collection method: clinical testing. Allele origin: germline.

NM_003036.4(SKI):c.994A>G (p.Ile332Val)

Gene: SKI (SKI proto-oncogene; plus strand). Cytogenetic location: 1p36.32.
Variant type: single nucleotide variant.
Coding change: c.994A>G on transcript NM_003036.4 (MANE Select); coding-DNA position 994, A replaced by G.
Protein change: p.Ile332Val; replaces isoleucine 332 with valine.
Molecular consequence: missense variant.
Genome position (GRCh38, 1-based): chr1:2,303,002, A>G. VCF-style: chr1-2303002-A-G. GRCh37 (hg19) VCF-style: chr1-2234441-A-G.
Other names: short protein forms I332V.
Identifiers: ClinVar variation 513013 (VCV000513013.43), dbSNP rs374264201, ClinGen allele CA536525.